The following is an entry in ClinVar:

ClinVar aggregate classification (germline): Uncertain significance (1 of 4 stars; one submission).

Submission:

Labcorp Genetics (formerly Invitae), Labcorp
Classification: Uncertain significance. Last evaluated: 2024-06-22. Review status: criteria provided, single submitter. Criteria: Invitae Variant Classification Sherloc (09022015). Collection method: clinical testing. Allele origin: germline.
Comment: This sequence change replaces lysine, which is basic and polar, with arginine, which is basic and polar, at codon 2129 of the MTOR protein (p.Lys2129Arg). This variant is not present in population databases (gnomAD no frequency). This variant has not been reported in the literature in individuals affected with MTOR-related conditions. ClinVar contains an entry for this variant (Variation ID: 2108981). Advanced modeling of protein sequence and biophysical properties (such as structural, functional, and spatial information, amino acid conservation, physicochemical variation, residue mobility, and thermodynamic stability) performed at Invitae indicates that this missense variant is not expected to disrupt MTOR protein function with a negative predictive value of 95%. In summary, the available evidence is currently insufficient to determine the role of this variant in disease. Therefore, it has been classified as a Variant of Uncertain Significance.

NM_004958.4(MTOR):c.6386A>G (p.Lys2129Arg)

Gene: MTOR (mechanistic target of rapamycin kinase; minus strand). Cytogenetic location: 1p36.22.
Variant type: single nucleotide variant.
Coding change: c.6386A>G on transcript NM_004958.4 (MANE Select); coding-DNA position 6386, A replaced by G.
Protein change: p.Lys2129Arg; replaces lysine 2129 with arginine.
Molecular consequence: missense variant.
Genome position (GRCh38, 1-based): chr1:11,126,762, T>C on the plus strand (A>G on the coding strand, the complement: MTOR is on the minus strand). VCF-style: chr1-11126762-T-C. GRCh37 (hg19) VCF-style: chr1-11186819-T-C.
Other names: c.6386A>G, p.Lys2129Arg (NM_001386500.1); c.5138A>G, p.Lys1713Arg (NM_001386501.1); short protein forms K1713R, K2129R.
Identifiers: ClinVar variation 2108981 (VCV002108981.4), dbSNP rs2522264677, ClinGen allele CA338390326.